The following is an entry in ClinVar:

ClinVar aggregate classification (germline): Conflicting classifications of pathogenicity. Review status: criteria provided, conflicting classifications (1 of 4 stars). 3 submissions from 3 submitters: Uncertain significance (2); Likely benign (1). Last evaluated 2025-12-22.

Conditions:
Epidermolysis bullosa simplex 5B, with muscular dystrophy (EBS5B). Also called: EPIDERMOLYSIS BULLOSA SIMPLEX AND LIMB-GIRDLE MUSCULAR DYSTROPHY; Epidermolysis bullosa simplex with muscular dystrophy. Identifiers: Orphanet 257, MedGen C2931072, MONDO:0009181, OMIM 226670.
Epidermolysis bullosa simplex, Ogna type (EBS5A). Also called: Pidermolysis bullosa simplex 5A, Ogna type; EPIDERMOLYSIS BULLOSA SIMPLEX 5A, OGNA TYPE. Identifiers: Orphanet 79401, MedGen C0432317, MONDO:0007555, OMIM 131950.
Epidermolysis bullosa simplex 5C, with pyloric atresia (EBS5C). Also called: PLEC-Related Epidermolysis Bullosa with Pyloric Atresia; Epidermolysis bullosa simplex with pyloric atresia; PLEC1-Related Epidermolysis Bullosa with Pyloric Atresia. Identifiers: Orphanet 158684, MedGen C2677349, MONDO:0012807, OMIM 612138.
Autosomal recessive limb-girdle muscular dystrophy type 2Q (LGMDR17). Also called: MUSCULAR DYSTROPHY, LIMB-GIRDLE, AUTOSOMAL RECESSIVE 17. Identifiers: Orphanet 254361, MedGen C3150989, MONDO:0013390, OMIM 613723.
Epidermolysis bullosa simplex with nail dystrophy (EBS5D). Identifiers: MedGen C4225309, MONDO:0014661, OMIM 616487.
Inborn genetic diseases. Identifiers: MedGen C0950123, MeSH D030342.

Allele frequency attached by ClinVar (database versions not stated): gnomAD exomes 0.00002 and 0.00012; gnomAD 0.00004 and 0.00005; TOPMed 0.00008; ExAC 0.00012; 1000 Genomes Project 30x 0.00016; 1000 Genomes Project 0.00020.
gnomAD v4.1: 36 of 1,572,858 alleles (0.0023%); highest among the groups gnomAD compares: East Asian, 0.082%; no homozygotes.

Submissions (3):

Ambry Genetics
Classification: Uncertain significance for Inborn genetic diseases. Last evaluated: 2025-12-22. Review status: criteria provided, single submitter. Criteria: Ambry Variant Classification Scheme 2023. Collection method: clinical testing. Allele origin: germline.

Labcorp Genetics (formerly Invitae), Labcorp
Classification: Uncertain significance for Autosomal recessive limb-girdle muscular dystrophy type 2Q; Epidermolysis bullosa simplex, Ogna type; Epidermolysis bullosa simplex with nail dystrophy; Epidermolysis bullosa simplex 5C, with pyloric atresia; Epidermolysis bullosa simplex 5B, with muscular dystrophy. Last evaluated: 2024-12-07. Review status: criteria provided, single submitter. Criteria: Invitae Variant Classification Sherloc (09022015). Collection method: clinical testing. Allele origin: germline.
Comment: This sequence change replaces valine, which is neutral and non-polar, with alanine, which is neutral and non-polar, at codon 839 of the PLEC protein (p.Val839Ala). This variant is present in population databases (rs557539356, gnomAD 0.2%). This variant has not been reported in the literature in individuals affected with PLEC-related conditions. ClinVar contains an entry for this variant (Variation ID: 995208). Invitae Evidence Modeling of protein sequence and biophysical properties (such as structural, functional, and spatial information, amino acid conservation, physicochemical variation, residue mobility, and thermodynamic stability) indicates that this missense variant is not expected to disrupt PLEC protein function with a negative predictive value of 80%. In summary, the available evidence is currently insufficient to determine the role of this variant in disease. Therefore, it has been classified as a Variant of Uncertain Significance.

Athena Diagnostics
Classification: Likely benign. Last evaluated: 2020-08-07. Review status: criteria provided, single submitter. Criteria: Athena Diagnostics Criteria. Collection method: clinical testing. Allele origin: unknown.

NM_201384.3(PLEC):c.2435T>C (p.Val812Ala)

Gene: PLEC (plectin; minus strand). Cytogenetic location: 8q24.3.
Variant type: single nucleotide variant.
Coding change: c.2435T>C on transcript NM_201384.3 (MANE Select); coding-DNA position 2435, T replaced by C.
Protein change: p.Val812Ala; replaces valine 812 with alanine.
Molecular consequence: missense variant.
Genome position (GRCh38, 1-based): chr8:143,930,406, A>G on the plus strand (T>C on the coding strand, the complement: PLEC is on the minus strand). VCF-style: chr8-143930406-A-G. GRCh37 (hg19) VCF-style: chr8-145004574-A-G.
Other names: c.2516T>C, p.Val839Ala (NM_000445.5); c.2393T>C, p.Val798Ala (NM_201378.4); c.2369T>C, p.Val790Ala (NM_201379.3); c.2846T>C, p.Val949Ala (NM_201380.4); c.2339T>C, p.Val780Ala (NM_201381.3); c.2435T>C, p.Val812Ala (NM_201382.4); c.2447T>C, p.Val816Ala (NM_201383.3); short protein forms V780A, V790A, V798A, V812A, V816A, V839A, V949A.
Identifiers: ClinVar variation 995208 (VCV000995208.8), dbSNP rs557539356, ClinGen allele CA4927536.
Genomic context (GRCh38, chr8:143,930,406, plus strand): 5'-TGGCCACGCCCCCCAGTGGACCCCCGGCCTGCGCTCACCTCCACCTGCTTATAGTCGCAC[A>G]CGGCCAGCAGGGGCAGGCGGCCCCGCATGGGGTGGGCTGGGTGGCGGGGCTTCAGCTGCA-3'
Protein context (NP_958786.1, residues 802-822): PMRGRLPLLA[Val812Ala]CDYKQVEVTV